The following is an entry in ClinVar:

ClinVar aggregate classification (germline): Uncertain significance (1 of 4 stars; one submission).

Submission:

Labcorp Genetics (formerly Invitae), Labcorp
Classification: Uncertain significance. Last evaluated: 2022-09-26. Review status: criteria provided, single submitter. Criteria: Invitae Variant Classification Sherloc (09022015). Collection method: clinical testing. Allele origin: germline.
Comment: In summary, the available evidence is currently insufficient to determine the role of this variant in disease. Therefore, it has been classified as a Variant of Uncertain Significance. Experimental studies and prediction algorithms are not available or were not evaluated, and the functional significance of this variant is currently unknown. This variant has not been reported in the literature in individuals affected with CTNNA1-related conditions. This variant is not present in population databases (gnomAD no frequency). This sequence change creates a premature translational stop signal (p.Ser858Hisfs*4) in the CTNNA1 gene. While this is not anticipated to result in nonsense mediated decay, it is expected to disrupt the last 49 amino acid(s) of the CTNNA1 protein.

NM_001903.5(CTNNA1):c.2572del (p.Ser858fs)

Gene: CTNNA1 (catenin alpha 1; plus strand). Cytogenetic location: 5q31.2.
Variant type: Deletion.
Coding change: c.2572del on transcript NM_001903.5 (MANE Select); coding-DNA position 2572, one base deleted (T; older notation c.2572delT).
Protein change: p.Ser858fs; shifts the reading frame from serine 858.
Molecular consequence: frameshift variant. On other transcripts: 3 prime UTR variant (5).
Genome position (GRCh38, 1-based): chr5:138,933,940, T deleted. VCF-style (leftmost placement, unchanged base first): chr5-138933939-GT-G. GRCh37 (hg19) VCF-style: chr5-138269628-GT-G.
Other names: c.*117del (NM_001290307.3, NM_001324002.1, NM_001324003.1 and 2 more transcripts); c.2263del, p.Ser755fs (NM_001290309.3); c.2203del, p.Ser735fs (NM_001290310.3); c.1462del, p.Ser488fs (NM_001290312.1, NM_001323987.1, NM_001323988.1 and 12 more transcripts); c.2572del, p.Ser858fs (NM_001323982.2, NM_001323983.1, NM_001323984.2); c.2545del, p.Ser849fs (NM_001323985.2); c.2479del, p.Ser827fs (NM_001323986.2); c.1327del, p.Ser443fs (NM_001324001.1); and 3 more; short protein forms S457fs, S735fs, S827fs, S858fs, S407fs, S488fs, S849fs, S375fs.
Identifiers: ClinVar variation 2032642 (VCV002032642.4), dbSNP rs2533952545, ClinGen allele CA2580072896.